The following is an entry in ClinVar:

ClinVar aggregate classification (germline): Uncertain significance (1 of 4 stars; one submission).

Submission:

Labcorp Genetics (formerly Invitae), Labcorp
Classification: Uncertain significance. Last evaluated: 2025-12-08. Review status: criteria provided, single submitter. Criteria: Invitae Variant Classification Sherloc (09022015). Collection method: clinical testing. Allele origin: germline.
Comment: This sequence change replaces arginine, which is basic and polar, with leucine, which is neutral and non-polar, at codon 609 of the FBN3 protein (p.Arg609Leu). This variant is present in population databases (rs148221874, gnomAD 0.01%). This variant has not been reported in the literature in individuals affected with FBN3-related conditions. ClinVar contains an entry for this variant (Variation ID: 3711506). Invitae Evidence Modeling of protein sequence and biophysical properties (such as structural, functional, and spatial information, amino acid conservation, physicochemical variation, residue mobility, and thermodynamic stability) indicates that this missense variant is expected to disrupt FBN3 protein function with a positive predictive value of 80%. In summary, the available evidence is currently insufficient to determine the role of this variant in disease. Therefore, it has been classified as a Variant of Uncertain Significance.

NM_032447.5(FBN3):c.1826G>T (p.Arg609Leu)

Gene: FBN3 (fibrillin 3; minus strand). Cytogenetic location: 19p13.2.
Variant type: single nucleotide variant.
Coding change: c.1826G>T on transcript NM_032447.5 (MANE Select); coding-DNA position 1826, G replaced by T.
Protein change: p.Arg609Leu; replaces arginine 609 with leucine.
Molecular consequence: missense variant.
Genome position (GRCh38, 1-based): chr19:8,131,718, C>A on the plus strand (G>T on the coding strand, the complement: FBN3 is on the minus strand). VCF-style: chr19-8131718-C-A. GRCh37 (hg19) VCF-style: chr19-8196602-C-A.
Other names: c.1826G>T, p.Arg609Leu (NM_001321431.2); short protein forms R609L.
Identifiers: ClinVar variation 3711506 (VCV003711506.2).